The following is an entry in ClinVar:

ClinVar aggregate classification (germline): Uncertain significance (1 of 4 stars; one submission).

Allele frequency attached by ClinVar (database versions not stated): gnomAD exomes below 0.00001; TOPMed below 0.00001.
gnomAD v4.1: 1 of 1,613,670 alleles (0.000062%); highest among the groups gnomAD compares: Non-Finnish European, 0.000085%; no homozygotes.

Submissions (2):

Labcorp Genetics (formerly Invitae), Labcorp
Classification: Uncertain significance. Last evaluated: 2025-09-28. Review status: criteria provided, single submitter. Criteria: Invitae Variant Classification Sherloc (09022015). Collection method: clinical testing. Allele origin: germline.
Comment: This sequence change replaces arginine, which is basic and polar, with tryptophan, which is neutral and slightly polar, at codon 710 of the RNF31 protein (p.Arg710Trp). This variant is not present in population databases (gnomAD no frequency). This variant has not been reported in the literature in individuals affected with RNF31-related conditions. ClinVar contains an entry for this variant (Variation ID: 3017397). An algorithm developed to predict the effect of missense changes on protein structure and function (PolyPhen-2) suggests that this variant is likely to be disruptive. In summary, the available evidence is currently insufficient to determine the role of this variant in disease. Therefore, it has been classified as a Variant of Uncertain Significance.

Dr. Peter K. Rogan Lab, Western University
No classification provided (evidence only). Condition: Malignant tumor of esophagus. Review status: no classification provided. Collection method: in vitro. Allele origin: not applicable. Functional consequence: retained intron. Not counted in ClinVar's aggregate classification.

NM_017999.5(RNF31):c.2128C>T (p.Arg710Trp)

Gene: RNF31 (ring finger protein 31; plus strand). Cytogenetic location: 14q12.
Variant type: single nucleotide variant.
Coding change: c.2128C>T on transcript NM_017999.5 (MANE Select); coding-DNA position 2128, C replaced by T.
Protein change: p.Arg710Trp; replaces arginine 710 with tryptophan.
Molecular consequence: missense variant.
Genome position (GRCh38, 1-based): chr14:24,151,990, C>T. VCF-style: chr14-24151990-C-T. GRCh37 (hg19) VCF-style: chr14-24621199-C-T.
Other names: c.1675C>T, p.Arg559Trp (NM_001310332.2); short protein forms R559W, R710W.
Identifiers: ClinVar variation 3017397 (VCV003017397.4), dbSNP rs1358080362, ClinGen allele CA389299288.
Genomic context (GRCh38, chr14:24,151,990, plus strand): 5'-TTCCTGCGCCGCTTGCTTGCCCAGGAGTGTGCCGTGTGTGGCTGGGCCCTGCCCCACAAC[C>T]GGGTAAGTCCCTCCCCACGATACCTGGTCCAAGAATTACTCTATTCTTTTGGACCCCCAT-3'
Protein context (NP_060469.4, residues 700-720): AVCGWALPHN[Arg710Trp]MQALTSCECT